The following is an entry in ClinVar:

NC_000011.9:g.(?_88027174)_(88033833_?)del

Gene: CTSC (cathepsin C; minus strand). Cytogenetic location: 11q14.2.
Variant type: Deletion.
Identifiers: ClinVar variation 3244633 (VCV003244633.1).

ClinVar aggregate classification (germline): Pathogenic (1 of 4 stars; one submission).

Conditions:
Periodontitis, aggressive. Identifiers: MedGen C0031106, MONDO:0980757.
Haim-Munk syndrome (HMS). Also called: COCHIN JEWISH DISORDER; KERATOSIS PALMOPLANTARIS WITH PERIODONTOPATHIA AND ONYCHOGRYPOSIS. Identifiers: Orphanet 2342, MedGen C1855627, MONDO:0009491, OMIM 245010.
Papillon-Lefèvre syndrome (PALS). Also called: KERATOSIS PALMOPLANTARIS WITH PERIODONTOPATHIA; Papillon-Lefevre Disease. Identifiers: Orphanet 678, MedGen C0030360, MONDO:0009490, OMIM 245000.

Submission:

Labcorp Genetics (formerly Invitae), Labcorp
Classification: Pathogenic for Haim-Munk syndrome; Periodontitis, aggressive; Papillon-Lefèvre syndrome. Last evaluated: 2023-03-11. Review status: criteria provided, single submitter. Criteria: Invitae Variant Classification Sherloc (09022015). Collection method: clinical testing. Allele origin: unknown.
Comment: For these reasons, this variant has been classified as Pathogenic. This variant disrupts a region of the CTSC protein in which other variant(s) (p.Tyr347Cys) have been determined to be pathogenic (PMID: 10581027, 10662808, 28317349). This suggests that this is a clinically significant region of the protein, and that variants that disrupt it are likely to be disease-causing. This variant has not been reported in the literature in individuals affected with CTSC-related conditions. This variant is a gross deletion of the genomic region encompassing exon(s) 5-7 of the CTSC gene, which includes the termination codon. This deletion extends beyond the assayed region for this gene and therefore may encompass additional genes. While this deletion is not anticipated to lead to nonsense mediated decay, it is expected to alter mRNA translation or result in a truncated protein product.

Literature cited by the submitters: PubMed 10581027; PubMed 10662808; PubMed 28317349.